The following is an entry in ClinVar:

NM_003482.4(KMT2D):c.5477G>T (p.Gly1826Val)

Gene: KMT2D (lysine methyltransferase 2D; minus strand). Cytogenetic location: 12q13.12.
Variant type: single nucleotide variant.
Coding change: c.5477G>T on transcript NM_003482.4 (MANE Select); coding-DNA position 5477, G replaced by T.
Protein change: p.Gly1826Val; replaces glycine 1826 with valine.
Molecular consequence: missense variant.
Genome position (GRCh38, 1-based): chr12:49,043,419, C>A on the plus strand (G>T on the coding strand, the complement: KMT2D is on the minus strand). VCF-style: chr12-49043419-C-A. GRCh37 (hg19) VCF-style: chr12-49437202-C-A.
Other names: short protein forms G1826V.
Identifiers: ClinVar variation 134679 (VCV000134679.18), dbSNP rs574989512, ClinGen allele CA160523.

ClinVar aggregate classification (germline): Benign. Review status: criteria provided, multiple submitters, no conflicts (2 of 4 stars). 6 submissions from 6 submitters: Benign (4). 2 of the submissions do not count toward it. Last evaluated 2026-01-06.

Conditions:
Kabuki syndrome. Also called: NIIKAWA-KUROKI SYNDROME; Kabuki make-up syndrome. Identifiers: Orphanet 2322, MedGen C0796004, MONDO:0016512.

Allele frequency attached by ClinVar (database versions not stated): gnomAD 0.00002 and 0.00039; TOPMed 0.00005; 1000 Genomes Project 0.00319; 1000 Genomes Project 30x 0.00344.
gnomAD v4.1: 707 of 1,613,920 alleles (0.044%); highest among the groups gnomAD compares: South Asian, 0.75%; 13 homozygotes.

Submissions (6):

Labcorp Genetics (formerly Invitae), Labcorp
Classification: Benign for Kabuki syndrome. Last evaluated: 2026-01-06. Review status: criteria provided, single submitter. Criteria: Invitae Variant Classification Sherloc (09022015). Collection method: clinical testing. Allele origin: germline.

GeneDx
Classification: Benign. Last evaluated: 2019-10-29. Review status: criteria provided, single submitter. Criteria: GeneDx Variant Classification Process June 2021. Collection method: clinical testing. Allele origin: germline. Affected: yes.
Comment: This variant is associated with the following publications: (PMID: 30459467)

Eurofins Ntd Llc (ga)
Classification: Benign. Last evaluated: 2014-12-13. Review status: criteria provided, single submitter. Criteria: EGL Classification Definitions 2015. Collection method: clinical testing. Allele origin: germline. Observed: 1 variant allele, 1 heterozygote.

Breakthrough Genomics
Classification: Benign. Review status: criteria provided, single submitter. Criteria: ACMG Guidelines, 2015. Collection method: not provided. Allele origin: germline. Inheritance: Autosomal dominant inheritance. Affected: yes.

ITMI
No classification provided. Condition: AllHighlyPenetrant. Last evaluated: 2013-09-19. Review status: no classification provided. Collection method: reference population. Allele origin: germline. Not counted in ClinVar's aggregate classification.
Comment: Please see associated publication for description of ethnicities

Department of Pathology and Laboratory Medicine, Sinai Health System
Classification: Benign. Review status: no assertion criteria provided. Collection method: clinical testing. Allele origin: unknown. Affected: yes. Study: The Canadian Open Genetics Repository (COGR). Not counted in ClinVar's aggregate classification.
Comment: The KMT2D p.Gly1826Val variant was not identified in the literature but was identified in dbSNP (ID: rs574989512) and ClinVar (classified as benign by EGL Genetics). The variant was identified in control databases in 250 of 280666 chromosomes (4 homozygous) at a frequency of 0.0008907 increasing the likelihood this could be a low frequency benign variant (Genome Aggregation Database March 6, 2019, v2.1.1). The variant was observed in the following populations: South Asian in 243 of 30602 chromosomes (freq: 0.007941), Other in 6 of 7144 chromosomes (freq: 0.00084) and African in 1 of 24188 chromosomes (freq: 0.000041), but was not observed in the Latino, Ashkenazi Jewish, East Asian, European (Finnish), or European (non-Finnish) populations. The p.Gly1826 residue is conserved in mammals and computational analyses (PolyPhen-2, SIFT, AlignGVGD, BLOSUM, MutationTaster) provide inconsistent predictions regarding the impact to the protein; this information is not very predictive of pathogenicity. The variant occurs outside of the splicing consensus sequence and in silico or computational prediction software programs (SpliceSiteFinder, MaxEntScan, NNSPLICE, GeneSplicer) do not predict a difference in splicing. In summary, based on the above information this variant meets our laboratory's criteria to be classified as benign.

Literature cited by the submitters: PubMed 24728327 (cited by ITMI).